The following is an entry in ClinVar:

NM_001999.4(FBN2):c.533-92A>G

Gene: FBN2 (fibrillin 2; minus strand). Cytogenetic location: 5q23.3.
Variant type: single nucleotide variant.
Coding change: c.533-92A>G on transcript NM_001999.4 (MANE Select); 92 bases into the intron before coding-DNA position 533, A replaced by G.
Molecular consequence: intron variant.
Genome position (GRCh38, 1-based): chr5:128,519,460, T>C on the plus strand (A>G on the coding strand, the complement: FBN2 is on the minus strand). VCF-style: chr5-128519460-T-C. GRCh37 (hg19) VCF-style: chr5-127855153-T-C.
Identifiers: ClinVar variation 675832 (VCV000675832.2), dbSNP rs112355068, ClinGen allele CA127043940.
Genomic context (GRCh38, chr5:128,519,460, plus strand): 5'-ATAGCCAGTCTCCAAGCACAATATAGTAGTGCAGTGATGCTGCCAATAAAGGATCTTATG[T>C]TAAATTATAGTACATTATGTTAATTAAACTGCAACTTGTATAAATTACACAGGTTAAAGT-3'

ClinVar aggregate classification (germline): Likely benign. Review status: criteria provided, multiple submitters, no conflicts (2 of 4 stars). 2 submissions from 2 submitters: Likely benign (2). Last evaluated 2018-06-14.

Allele frequency attached by ClinVar (database versions not stated): gnomAD exomes 0.00355; 1000 Genomes Project 0.01458; TOPMed 0.01617; gnomAD 0.03184 and 0.03465.
gnomAD v4.1: 3,580 of 432,808 alleles (0.83%); highest among the groups gnomAD compares: African/African-American, 15%; 92 homozygotes.

Submissions (2):

GeneDx
Classification: Likely benign. Last evaluated: 2018-06-14. Review status: criteria provided, single submitter. Criteria: GeneDx Variant Classification (06012015). Collection method: clinical testing. Allele origin: germline. Affected: yes.
Comment: This variant is considered likely benign or benign based on one or more of the following criteria: it is a conservative change, it occurs at a poorly conserved position in the protein, it is predicted to be benign by multiple in silico algorithms, and/or has population frequency not consistent with disease.

Breakthrough Genomics
Classification: Likely benign. Review status: criteria provided, single submitter. Criteria: ACMG Guidelines, 2015. Collection method: not provided. Allele origin: germline. Inheritance: Autosomal dominant inheritance. Affected: yes.